The following is an entry in ClinVar:

ClinVar aggregate classification (germline): Pathogenic (1 of 4 stars; one submission).

Conditions:
Centromeric instability of chromosomes 1,9 and 16 and immunodeficiency (ICF1). Also called: CENTROMERIC INSTABILITY, IMMUNODEFICIENCY SYNDROME; Immunodeficiency-centromeric instability-facial anomalies; IMMUNE DEFICIENCY, VARIABLE, WITH CENTROMERIC INSTABILITY OF CHROMOSOMES 1, 9, AND 16; IMMUNODEFICIENCY SYNDROME, VARIABLE. Identifiers: Orphanet 2268, MedGen C0398788, MONDO:0000133.

Allele frequency attached by ClinVar (database versions not stated): gnomAD exomes below 0.00001; ExAC 0.00001.
gnomAD v4.1: 2 of 1,613,490 alleles (0.00012%); highest among the groups gnomAD compares: Non-Finnish European, 0.00017%; no homozygotes.

Submission:

Labcorp Genetics (formerly Invitae), Labcorp
Classification: Pathogenic for Centromeric instability of chromosomes 1,9 and 16 and immunodeficiency. Last evaluated: 2023-02-24. Review status: criteria provided, single submitter. Criteria: Invitae Variant Classification Sherloc (09022015). Collection method: clinical testing. Allele origin: germline.
Comment: For these reasons, this variant has been classified as Pathogenic. This variant has not been reported in the literature in individuals affected with DNMT3B-related conditions. The frequency data for this variant in the population databases is considered unreliable, as metrics indicate poor data quality at this position in the gnomAD database. This sequence change creates a premature translational stop signal (p.Arg571*) in the DNMT3B gene. It is expected to result in an absent or disrupted protein product. Loss-of-function variants in DNMT3B are known to be pathogenic (PMID: 11102980).

Literature cited by the submitters: PubMed 11102980.

NM_006892.4(DNMT3B):c.1711C>T (p.Arg571Ter)

Genes: DNMT3B (DNA methyltransferase 3 beta; plus strand), LOC126863014 (CDK7 strongly-dependent group 2 enhancer GRCh37_chr20:31385992-31387191; plus strand). Cytogenetic location: 20q11.21.
Variant type: single nucleotide variant.
Coding change: c.1711C>T on transcript NM_006892.4 (MANE Select); coding-DNA position 1711, C replaced by T.
Protein change: p.Arg571Ter; replaces arginine 571 with a stop codon.
Molecular consequence: nonsense.
Genome position (GRCh38, 1-based): chr20:32,799,280, C>T. VCF-style: chr20-32799280-C-T. GRCh37 (hg19) VCF-style: chr20-31387086-C-T.
Other names: c.1525C>T, p.Arg509Ter (NM_001207055.2, NM_001424354.1, NM_001424357.1); c.1423C>T, p.Arg475Ter (NM_001207056.2); c.1711C>T, p.Arg571Ter (NM_001424351.1, NM_001424355.1); c.1585C>T, p.Arg529Ter (NM_001424352.1, NM_001424356.1, NM_001424358.1); c.1651C>T, p.Arg551Ter (NM_001424353.1, NM_175848.2, NM_175849.2); c.1687C>T, p.Arg563Ter (NM_001424359.1, NM_175850.3); c.1561C>T, p.Arg521Ter (NM_001424360.1); short protein forms R529*, R563*, R571*, R551*, R475*, R509*, R521*.
Identifiers: ClinVar variation 2840497 (VCV002840497.3), dbSNP rs775949142, ClinGen allele CA9810679.